The following is an entry in ClinVar:

NM_004369.4(COL6A3):c.7038G>A (p.Ser2346=)

Gene: COL6A3 (collagen type VI alpha 3 chain; minus strand). Cytogenetic location: 2q37.3.
Variant type: single nucleotide variant.
Coding change: c.7038G>A on transcript NM_004369.4 (MANE Select); coding-DNA position 7038, G replaced by A.
Protein change: p.Ser2346=; no amino-acid change (serine 2346 retained).
Molecular consequence: synonymous variant.
Genome position (GRCh38, 1-based): chr2:237,346,557, C>T on the plus strand (G>A on the coding strand, the complement: COL6A3 is on the minus strand). VCF-style: chr2-237346557-C-T. GRCh37 (hg19) VCF-style: chr2-238255200-C-T.
Other names: c.5217G>A, p.Ser1739= (NM_057166.5); c.6420G>A, p.Ser2140= (NM_057167.4).
Identifiers: ClinVar variation 759859 (VCV000759859.19), dbSNP rs773164702, ClinGen allele CA2187949.
Genomic context (GRCh38, chr2:237,346,557, plus strand): 5'-ACTTACAGCTGGTCCTGGGTAGCCAGGGTCTCCCTTCTGTCCAACTATCCCTGGAGGTCC[C>T]GAATTTCCCTAGAGGGAGCAGAACAAACATTGTTCAACTGTGTCAGAAAGTGGAGAATTT-3'
Protein context (NP_004360.2, residues 2336-2356): PKGIRGRRGN[Ser2346=]GPPGIVGQKG

ClinVar aggregate classification (germline): Likely benign. Review status: criteria provided, multiple submitters, no conflicts (2 of 4 stars). 2 submissions from 2 submitters: Likely benign (2). Last evaluated 2025-06-01.

Conditions:
Bethlem myopathy 1A. Also called: Bethlem myopathy 1; MYOPATHY, BENIGN CONGENITAL, WITH CONTRACTURES; Bethlem Muscular Dystrophy. Identifiers: Orphanet 610, MedGen CN029274, MONDO:0024530, OMIM 158810.

Allele frequency attached by ClinVar (database versions not stated): TOPMed below 0.00001; gnomAD exomes 0.00001; ExAC 0.00002.
gnomAD v4.1: 11 of 1,613,658 alleles (0.00068%); highest among the groups gnomAD compares: Admixed American, 0.0033%; no homozygotes.

Submissions (2):

CeGaT Center for Human Genetics Tuebingen
Classification: Likely benign. Last evaluated: 2025-06-01. Review status: criteria provided, single submitter. Criteria: CeGaT Center For Human Genetics Tuebingen Variant Classification Criteria Version 2. Collection method: clinical testing. Allele origin: germline. Affected: yes. Observed: 1 variant allele.
Comment: COL6A3: BP4, BP7

Labcorp Genetics (formerly Invitae), Labcorp
Classification: Likely benign for Bethlem myopathy 1A. Last evaluated: 2019-01-25. Review status: criteria provided, single submitter. Criteria: Invitae Variant Classification Sherloc (09022015). Collection method: clinical testing. Allele origin: germline.